The following is an entry in ClinVar:

ClinVar aggregate classification (germline): Uncertain significance. Review status: criteria provided, multiple submitters, no conflicts (2 of 4 stars). 2 submissions from 2 submitters: Uncertain significance (2). Last evaluated 2025-02-21.

Conditions:
Inborn genetic diseases. Identifiers: MedGen C0950123, MeSH D030342.

Allele frequency attached by ClinVar (database versions not stated): gnomAD exomes below 0.00001.
gnomAD v4.1: 2 of 1,208,242 alleles (0.00017%); highest among the groups gnomAD compares: Admixed American, 0.0044%; no homozygotes.

Submissions (2):

Ambry Genetics
Classification: Uncertain significance for Inborn genetic diseases. Last evaluated: 2025-02-21. Review status: criteria provided, single submitter. Criteria: Ambry Variant Classification Scheme 2023. Collection method: clinical testing. Allele origin: germline.

GeneDx
Classification: Uncertain significance. Last evaluated: 2023-03-22. Review status: criteria provided, single submitter. Criteria: GeneDx Variant Classification Process June 2021. Collection method: clinical testing. Allele origin: germline. Affected: yes.
Comment: Not observed at significant frequency in large population cohorts (gnomAD); In silico analysis supports that this missense variant does not alter protein structure/function; Has not been previously published as pathogenic or benign to our knowledge

NM_181303.2(NLGN3):c.93G>C (p.Leu31Phe)

Gene: NLGN3 (neuroligin 3; plus strand). Cytogenetic location: Xq13.1.
Variant type: single nucleotide variant.
Coding change: c.93G>C on transcript NM_181303.2 (MANE Select); coding-DNA position 93, G replaced by C.
Protein change: p.Leu31Phe; replaces leucine 31 with phenylalanine.
Molecular consequence: missense variant. On other transcripts: intron variant (1).
Genome position (GRCh38, 1-based): chrX:71,147,842, G>C. VCF-style: chrX-71147842-G-C. GRCh37 (hg19) VCF-style: chrX-70367692-G-C.
Other names: c.93G>C, p.Leu31Phe (NM_001166660.2, NM_018977.4); c.-38-221G>C (NM_001321276.2); c.93G>C (NM_018977.3); short protein forms L31F.
Identifiers: ClinVar variation 2580694 (VCV002580694.2), dbSNP rs1258826819, ClinGen allele CA413546945.